The following is an entry in ClinVar:

ClinVar aggregate classification (germline): Uncertain significance. Review status: criteria provided, multiple submitters, no conflicts (2 of 4 stars). 3 submissions from 3 submitters: Uncertain significance (3). Last evaluated 2025-03-05.

Conditions:
Hereditary cancer-predisposing syndrome. Also called: Hereditary neoplastic syndrome; Neoplastic Syndromes, Hereditary; Hereditary Cancer Syndrome; Tumor predisposition. Identifiers: Orphanet 140162, MedGen C0027672, MeSH D009386, MONDO:0015356.
RET-related disorder. Also called: RET-related disorders; RET-related condition; RET-related disease.
Multiple endocrine neoplasia, type 2 (MEN2). Identifiers: Orphanet 653, MedGen C4048306, MONDO:0019003. Disease mechanism: gain of function.

gnomAD v4.1: 1 of 1,595,356 alleles (0.000063%); highest among the groups gnomAD compares: African/African-American, 0.0013%; no homozygotes.

Submissions (3):

Ambry Genetics
Classification: Uncertain significance for Hereditary cancer-predisposing syndrome. Last evaluated: 2025-03-05. Review status: criteria provided, single submitter. Criteria: Ambry Variant Classification Scheme 2023. Collection method: clinical testing. Allele origin: germline.
Comment: The p.K523N variant (also known as c.1569G>T), located in coding exon 8 of the RET gene, results from a G to T substitution at nucleotide position 1569. The lysine at codon 523 is replaced by asparagine, an amino acid with similar properties. This amino acid position is conserved. In addition, the in silico prediction for this alteration is inconclusive. Based on the available evidence, the clinical significance of this variant remains unclear.

PreventionGenetics, part of Exact Sciences
Classification: Uncertain significance for RET-related condition. Last evaluated: 2023-05-09. Review status: criteria provided, single submitter. Criteria: ACMG Guidelines, 2015. Collection method: clinical testing. Allele origin: germline.
Comment: The RET c.1569G>T variant is predicted to result in the amino acid substitution p.Lys523Asn. To our knowledge, this variant has not been reported in the literature. This variant is reported in 0.0078% of alleles in individuals of African descent in gnomAD. At this time, the clinical significance of this variant is uncertain due to the absence of conclusive functional and genetic evidence.

Labcorp Genetics (formerly Invitae), Labcorp
Classification: Uncertain significance for Multiple endocrine neoplasia, type 2. Last evaluated: 2022-08-31. Review status: criteria provided, single submitter. Criteria: Invitae Variant Classification Sherloc (09022015). Collection method: clinical testing. Allele origin: germline.
Comment: In summary, the available evidence is currently insufficient to determine the role of this variant in disease. Therefore, it has been classified as a Variant of Uncertain Significance. Algorithms developed to predict the effect of missense changes on protein structure and function (SIFT, PolyPhen-2, Align-GVGD) all suggest that this variant is likely to be disruptive. This variant has not been reported in the literature in individuals affected with RET-related conditions. The frequency data for this variant in the population databases is considered unreliable, as metrics indicate poor data quality at this position in the gnomAD database. This sequence change replaces lysine, which is basic and polar, with asparagine, which is neutral and polar, at codon 523 of the RET protein (p.Lys523Asn).

NM_020975.6(RET):c.1569G>T (p.Lys523Asn)

Gene: RET (ret proto-oncogene; plus strand). Cytogenetic location: 10q11.21.
Variant type: single nucleotide variant.
Coding change: c.1569G>T on transcript NM_020975.6 (MANE Select); coding-DNA position 1569, G replaced by T.
Protein change: p.Lys523Asn; replaces lysine 523 with asparagine.
Molecular consequence: missense variant.
Genome position (GRCh38, 1-based): chr10:43,112,145, G>T. VCF-style: chr10-43112145-G-T. GRCh37 (hg19) VCF-style: chr10-43607593-G-T.
Other names: c.1569G>T, p.Lys523Asn (NM_000323.2, NM_001406743.1, NM_001406744.1 and 6 more transcripts); c.807G>T, p.Lys269Asn (NM_001355216.2); c.1440G>T, p.Lys480Asn (NM_001406761.1, NM_001406762.1, NM_001406764.1 and 1 more transcripts); c.1281G>T, p.Lys427Asn (NM_001406766.1, NM_001406767.1, NM_001406770.1); c.1173G>T, p.Lys391Asn (NM_001406769.1, NM_001406772.1); c.1131G>T, p.Lys377Asn (NM_001406771.1, NM_001406773.1); c.1044G>T, p.Lys348Asn (NM_001406774.1); c.843G>T, p.Lys281Asn (NM_001406775.1, NM_001406776.1, NM_001406777.1 and 1 more transcripts); and 5 more; short protein forms K128N, K181N, K193N, K224N, K269N, K281N, K348N, K377N.
Identifiers: ClinVar variation 1718527 (VCV001718527.7), dbSNP rs751464792, ClinGen allele CA376550423.
Genomic context (GRCh38, chr10:43,112,145, plus strand): 5'-TCTGCCACCTGCAGATGTGGCCGAGGAGGCGGGCTGCCCCCTGTCCTGTGCAGTCAGCAA[G>T]AGACGGCTGGAGTGTGAGGAGTGTGGCGGCCTGGGCTCCCCAACAGGCAGGTGTGAGTGG-3'
Protein context (NP_066124.1, residues 513-533): AGCPLSCAVS[Lys523Asn]RRLECEECGG